The following is an entry in ClinVar:

ClinVar aggregate classification (germline): Uncertain significance (1 of 4 stars; one submission).

Conditions:
Progressive myoclonic epilepsy. Also called: Familial progressive myoclonic epilepsy; Myoclonus epilepsy; Progressive myoclonus epilepsy; Myoclonic Epilepsies, Progressive. Identifiers: Orphanet 308, Orphanet 98261, MedGen C0751778, MONDO:0020074.

gnomAD v4.1: 22 of 1,614,074 alleles (0.0014%); highest among the groups gnomAD compares: Non-Finnish European, 0.0018%; no homozygotes.

Submission:

Labcorp Genetics (formerly Invitae), Labcorp
Classification: Uncertain significance for Progressive myoclonic epilepsy. Last evaluated: 2022-07-17. Review status: criteria provided, single submitter. Criteria: Invitae Variant Classification Sherloc (09022015). Collection method: clinical testing. Allele origin: germline.
Comment: This sequence change replaces isoleucine, which is neutral and non-polar, with valine, which is neutral and non-polar, at codon 438 of the SCARB2 protein (p.Ile438Val). This variant is present in population databases (no rsID available, gnomAD 0.007%). This variant has not been reported in the literature in individuals affected with SCARB2-related conditions. Algorithms developed to predict the effect of missense changes on protein structure and function (SIFT, PolyPhen-2, Align-GVGD) all suggest that this variant is likely to be tolerated. Algorithms developed to predict the effect of sequence changes on RNA splicing suggest that this variant may create or strengthen a splice site. In summary, the available evidence is currently insufficient to determine the role of this variant in disease. Therefore, it has been classified as a Variant of Uncertain Significance.

NM_005506.4(SCARB2):c.1312A>G (p.Ile438Val)

Gene: SCARB2 (scavenger receptor class B member 2; minus strand). Cytogenetic location: 4q21.1.
Variant type: single nucleotide variant.
Coding change: c.1312A>G on transcript NM_005506.4 (MANE Select); coding-DNA position 1312, A replaced by G.
Protein change: p.Ile438Val; replaces isoleucine 438 with valine.
Molecular consequence: missense variant.
Genome position (GRCh38, 1-based): chr4:76,163,311, T>C on the plus strand (A>G on the coding strand, the complement: SCARB2 is on the minus strand). VCF-style: chr4-76163311-T-C. GRCh37 (hg19) VCF-style: chr4-77084464-T-C.
Other names: c.883A>G, p.Ile295Val (NM_001204255.2); short protein forms I295V, I438V.
Identifiers: ClinVar variation 1929378 (VCV001929378.5), dbSNP rs564332239, ClinGen allele CA357313446.